The following is an entry in ClinVar:

NM_016938.5(EFEMP2):c.158G>A (p.Arg53Gln)

Gene: EFEMP2 (EGF-like fibulin extracellular matrix protein 2; minus strand). Cytogenetic location: 11q13.1.
Variant type: single nucleotide variant.
Coding change: c.158G>A on transcript NM_016938.5 (MANE Select); coding-DNA position 158, G replaced by A.
Protein change: p.Arg53Gln; replaces arginine 53 with glutamine.
Molecular consequence: missense variant. On other transcripts: non-coding transcript variant (1).
Genome position (GRCh38, 1-based): chr11:65,871,972, C>T on the plus strand (G>A on the coding strand, the complement: EFEMP2 is on the minus strand). VCF-style: chr11-65871972-C-T. GRCh37 (hg19) VCF-style: chr11-65639443-C-T.
Other names: short protein forms R53Q.
Identifiers: ClinVar variation 1056034 (VCV001056034.9), dbSNP rs372018326, ClinGen allele CA6110775.

ClinVar aggregate classification (germline): Uncertain significance. Review status: criteria provided, multiple submitters, no conflicts (2 of 4 stars). 2 submissions from 2 submitters: Uncertain significance (2). Last evaluated 2025-02-27.

Conditions:
Cardiovascular phenotype. Identifiers: MedGen CN230736.
Cutis laxa, autosomal recessive, type 1B (ARCL1B). Also called: CUTIS LAXA, AUTOSOMAL RECESSIVE, TYPE IB; EFEMP2-Related Cutis Laxa. Identifiers: Orphanet 90349, MedGen C3280798, MONDO:0013754, OMIM 614437. Disease mechanism: loss of function.
Familial thoracic aortic aneurysm and aortic dissection (TAAD). Also called: Thoracic aortic aneurysms and dissections. Identifiers: Orphanet 91387, MedGen C4707243, MONDO:0019625.

Allele frequency attached by ClinVar (database versions not stated): gnomAD 0.00002; TOPMed 0.00003; gnomAD exomes 0.00004; ESP Exome Variant Server 0.00008; ExAC 0.00010.

Submissions (2):

Ambry Genetics
Classification: Uncertain significance for Cardiovascular phenotype. Last evaluated: 2025-02-27. Review status: criteria provided, single submitter. Criteria: Ambry Variant Classification Scheme 2023. Collection method: clinical testing. Allele origin: germline.

Labcorp Genetics (formerly Invitae), Labcorp
Classification: Uncertain significance for Cutis laxa, autosomal recessive, type 1B. Last evaluated: 2025-01-23. Review status: criteria provided, single submitter. Criteria: Invitae Variant Classification Sherloc (09022015). Collection method: clinical testing. Allele origin: germline.
Comment: This sequence change replaces arginine, which is basic and polar, with glutamine, which is neutral and polar, at codon 53 of the EFEMP2 protein (p.Arg53Gln). This variant is present in population databases (rs372018326, gnomAD 0.01%). This variant has not been reported in the literature in individuals affected with EFEMP2-related conditions. ClinVar contains an entry for this variant (Variation ID: 1056034). Invitae Evidence Modeling of protein sequence and biophysical properties (such as structural, functional, and spatial information, amino acid conservation, physicochemical variation, residue mobility, and thermodynamic stability) has been performed for this missense variant. However, the output from this modeling did not meet the statistical confidence thresholds required to predict the impact of this variant on EFEMP2 protein function. In summary, the available evidence is currently insufficient to determine the role of this variant in disease. Therefore, it has been classified as a Variant of Uncertain Significance.